The following is an entry in ClinVar:

NM_016507.4(CDK12):c.1419A>C (p.Lys473Asn)

Gene: CDK12 (cyclin dependent kinase 12; plus strand). Cytogenetic location: 17q12.
Variant type: single nucleotide variant.
Coding change: c.1419A>C on transcript NM_016507.4 (MANE Select); coding-DNA position 1419, A replaced by C.
Protein change: p.Lys473Asn; replaces lysine 473 with asparagine.
Molecular consequence: missense variant.
Genome position (GRCh38, 1-based): chr17:39,471,251, A>C. VCF-style: chr17-39471251-A-C. GRCh37 (hg19) VCF-style: chr17-37627504-A-C.
Other names: c.1419A>C, p.Lys473Asn (NM_015083.4); short protein forms K473N.
Identifiers: ClinVar variation 3830568 (VCV003830568.1).

ClinVar aggregate classification (germline): Uncertain significance (1 of 4 stars; one submission).

Submission:

Ambry Genetics
Classification: Uncertain significance. Last evaluated: 2025-01-27. Review status: criteria provided, single submitter. Criteria: Ambry Variant Classification Scheme 2023. Collection method: clinical testing. Allele origin: germline.
Comment: The p.K473N variant (also known as c.1419A>C), located in coding exon 2 of the CDK12 gene, results from an A to C substitution at nucleotide position 1419. The lysine at codon 473 is replaced by asparagine, an amino acid with similar properties. This amino acid position is conserved. In addition, this alteration is predicted to be tolerated by in silico analysis. Based on the available evidence, the clinical significance of this variant remains unclear.